The following is an entry in ClinVar:

NM_173598.6(KSR2):c.1058C>A (p.Ser353Tyr)

Gene: KSR2 (kinase suppressor of ras 2; minus strand). Cytogenetic location: 12q24.22.
Variant type: single nucleotide variant.
Coding change: c.1058C>A on transcript NM_173598.6 (MANE Select); coding-DNA position 1058, C replaced by A.
Protein change: p.Ser353Tyr; replaces serine 353 with tyrosine.
Molecular consequence: missense variant.
Genome position (GRCh38, 1-based): chr12:117,667,587, G>T on the plus strand (C>A on the coding strand, the complement: KSR2 is on the minus strand). VCF-style: chr12-117667587-G-T. GRCh37 (hg19) VCF-style: chr12-118105392-G-T.
Other names: short protein forms S353Y.
Identifiers: ClinVar variation 4995676 (VCV004995676.1).
Genomic context (GRCh38, chr12:117,667,587, plus strand): 5'-GCGTGTCCCACAAAGAAGGAGCGGAGGGAGCGCTCGGACAGCAGCGGGGAGCGCTGCTGA[G>T]AGGGGATGTTCTCGCAGCTGCCTACGCTGCTGTGGATCTTGAGGTTCAAGGGTTTGCTCT-3'
Protein context (NP_775869.4, residues 343-363): SSVGSCENIP[Ser353Tyr]QQRSPLLSER

ClinVar aggregate classification (germline): Uncertain significance (1 of 4 stars; one submission).

Conditions:
KSR2-related disorder. Also called: KSR2-related condition.

Submission:

PreventionGenetics, part of Exact Sciences
Classification: Uncertain significance for KSR2-related condition. Last evaluated: 2026-06-14. Review status: criteria provided, single submitter. Criteria: ACMG Guidelines, 2015. Collection method: clinical testing. Allele origin: germline.
Comment: The KSR2 c.971C>A variant is predicted to result in the amino acid substitution p.Ser324Tyr. To our knowledge, this variant has not been reported in the literature or in a large population database (gnomAD), indicating this variant is rare. At this time, the clinical significance of this variant is uncertain due to the absence of conclusive functional and genetic evidence.